The following is an entry in ClinVar:

ClinVar aggregate classification (germline): Uncertain significance (1 of 4 stars; one submission).

Conditions:
PMM2-congenital disorder of glycosylation. Also called: PMM2-CDG; JAEKEN SYNDROME; PHOSPHOMANNOMUTASE 2 DEFICIENCY; Congenital disorder of glycosylation, type Ia; CDG Ia; CARBOHYDRATE-DEFICIENT GLYCOPROTEIN SYNDROME, TYPE Ia. Identifiers: Orphanet 79318, MedGen C0349653, MONDO:0008907, OMIM 212065.

Allele frequency attached by ClinVar (database versions not stated): TOPMed below 0.00001; gnomAD 0.00001.

Submission:

Labcorp Genetics (formerly Invitae), Labcorp
Classification: Uncertain significance for PMM2-congenital disorder of glycosylation. Last evaluated: 2023-12-11. Review status: criteria provided, single submitter. Criteria: Invitae Variant Classification Sherloc (09022015). Collection method: clinical testing. Allele origin: germline.
Comment: This sequence change falls in intron 1 of the PMM2 gene. It does not directly change the encoded amino acid sequence of the PMM2 protein. This variant is present in population databases (no rsID available, gnomAD 0.01%). This variant has not been reported in the literature in individuals affected with PMM2-related conditions. ClinVar contains an entry for this variant (Variation ID: 1902256). Algorithms developed to predict the effect of sequence changes on RNA splicing suggest that this variant may disrupt the consensus splice site. In summary, the available evidence is currently insufficient to determine the role of this variant in disease. Therefore, it has been classified as a Variant of Uncertain Significance.

NM_000303.3(PMM2):c.67-6A>G

Gene: PMM2 (phosphomannomutase 2; plus strand). Cytogenetic location: 16p13.2.
Variant type: single nucleotide variant.
Coding change: c.67-6A>G on transcript NM_000303.3 (MANE Select); 6 bases into the intron before coding-DNA position 67, A replaced by G.
Molecular consequence: intron variant.
Genome position (GRCh38, 1-based): chr16:8,801,793, A>G. VCF-style: chr16-8801793-A-G. GRCh37 (hg19) VCF-style: chr16-8895650-A-G.
Identifiers: ClinVar variation 1902256 (VCV001902256.5), dbSNP rs1298307215, ClinGen allele CA620727867.